The following is an entry in ClinVar:

ClinVar aggregate classification (germline): Benign (1 of 4 stars; one submission).

gnomAD v4.1: 19,170 of 1,614,192 alleles (1.2%); highest among the groups gnomAD compares: Non-Finnish European, 1.3%; 147 homozygotes.

Submission:

CeGaT Center for Human Genetics Tuebingen
Classification: Benign. Last evaluated: 2024-08-01. Review status: criteria provided, single submitter. Criteria: CeGaT Center For Human Genetics Tuebingen Variant Classification Criteria Version 2. Collection method: clinical testing. Allele origin: germline. Affected: yes. Observed: 1 variant allele.
Comment: TNN: BP4, BS1, BS2

NM_022093.2(TNN):c.281C>T (p.Thr94Met)

Gene: TNN (tenascin N; plus strand). Cytogenetic location: 1q25.1.
Variant type: single nucleotide variant.
Coding change: c.281C>T on transcript NM_022093.2 (MANE Select); coding-DNA position 281, C replaced by T.
Protein change: p.Thr94Met; replaces threonine 94 with methionine.
Molecular consequence: missense variant.
Genome position (GRCh38, 1-based): chr1:175,077,699, C>T. VCF-style: chr1-175077699-C-T. GRCh37 (hg19) VCF-style: chr1-175046835-C-T.
Other names: short protein forms T94M.
Identifiers: ClinVar variation 3342247 (VCV003342247.16).